The following is an entry in ClinVar:

ClinVar aggregate classification (germline): Uncertain significance. Review status: criteria provided, multiple submitters, no conflicts (2 of 4 stars). 4 submissions from 4 submitters: Uncertain significance (4). Last evaluated 2025-05-07.

Conditions:
Inborn genetic diseases. Identifiers: MedGen C0950123, MeSH D030342.
Fanconi anemia (FA). Also called: Fanconi's anemia. Identifiers: Orphanet 84, MedGen C0015625, MeSH D005199, MONDO:0019391.
Fanconi anemia complementation group A (FANCA). Also called: Fanconi anemia, group A; FANCA-Related Fanconi Anemia. Identifiers: Orphanet 84, MedGen C3469521, MONDO:0009215, OMIM 227650.

Allele frequency attached by ClinVar (database versions not stated): gnomAD 0.00001; gnomAD exomes 0.00001; TOPMed 0.00002.
gnomAD v4.1: 13 of 1,558,772 alleles (0.00083%); highest among the groups gnomAD compares: East Asian, 0.017%; no homozygotes.

Submissions (4):

Ambry Genetics
Classification: Uncertain significance for Inborn genetic diseases. Last evaluated: 2025-05-07. Review status: criteria provided, single submitter. Criteria: Ambry Variant Classification Scheme 2023. Collection method: clinical testing. Allele origin: germline.

Labcorp Genetics (formerly Invitae), Labcorp
Classification: Uncertain significance for Fanconi anemia. Last evaluated: 2025-03-25. Review status: criteria provided, single submitter. Criteria: Invitae Variant Classification Sherloc (09022015). Collection method: clinical testing. Allele origin: germline.
Comment: This sequence change replaces glycine, which is neutral and non-polar, with arginine, which is basic and polar, at codon 1123 of the FANCA protein (p.Gly1123Arg). This variant is present in population databases (no rsID available, gnomAD 0.006%). This variant has not been reported in the literature in individuals affected with FANCA-related conditions. ClinVar contains an entry for this variant (Variation ID: 1031416). An algorithm developed to predict the effect of missense changes on protein structure and function outputs the following: PolyPhen-2: "Probably Damaging". The arginine amino acid residue is found in multiple mammalian species, which suggests that this missense change does not adversely affect protein function. Algorithms developed to predict the effect of sequence changes on RNA splicing suggest that this variant may disrupt the consensus splice site. In summary, the available evidence is currently insufficient to determine the role of this variant in disease. Therefore, it has been classified as a Variant of Uncertain Significance.

St. Jude Molecular Pathology, St. Jude Children's Research Hospital
Classification: Uncertain significance for Fanconi anemia. Last evaluated: 2022-03-17. Review status: criteria provided, single submitter. Criteria: St. Jude Assertion Criteria 2020. Collection method: clinical testing. Allele origin: germline.
Comment: The FANCA c.3367G>A (p.Gly1123Arg ) missense change has a maximum subpopulation frequency of 0.0055% in gnomAD v2.1.1 (PM2_supporting). In silico tools are not in agreement about the effect of this variant on protein function, but to our knowledge these predictions have not been confirmed by functional assays. To our knowledge, this variant has not been reported in individuals with Fanconi anemia. In summary, this variant meets criteria to be classified as of uncertain significance based on the ACMG/AMP criteria: PM2_supporting.

Baylor Genetics
Classification: Uncertain significance for Fanconi anemia complementation group A. Last evaluated: 2018-09-18. Review status: criteria provided, single submitter. Criteria: ACMG Guidelines, 2015. Collection method: clinical testing. Allele origin: paternal. Affected: yes.
Comment: This variant was determined to be of uncertain significance according to ACMG Guidelines, 2015 [PMID:25741868].

NM_000135.4(FANCA):c.3367G>A (p.Gly1123Arg)

Gene: FANCA (FA complementation group A; minus strand). Cytogenetic location: 16q24.3.
Variant type: single nucleotide variant.
Coding change: c.3367G>A on transcript NM_000135.4 (MANE Select); coding-DNA position 3367, G replaced by A.
Protein change: p.Gly1123Arg; replaces glycine 1123 with arginine.
Molecular consequence: missense variant.
Genome position (GRCh38, 1-based): chr16:89,746,872, C>T on the plus strand (G>A on the coding strand, the complement: FANCA is on the minus strand). VCF-style: chr16-89746872-C-T. GRCh37 (hg19) VCF-style: chr16-89813280-C-T.
Other names: c.3367G>A, p.Gly1123Arg (NM_001286167.3); short protein forms G1123R.
Identifiers: ClinVar variation 1031416 (VCV001031416.12), dbSNP rs1437529209, ClinGen allele CA397486126.